The following is an entry in ClinVar:

NM_016239.4(MYO15A):c.7654+1G>A

Gene: MYO15A (myosin XVA; plus strand). Cytogenetic location: 17p11.2.
Variant type: single nucleotide variant.
Coding change: c.7654+1G>A on transcript NM_016239.4 (MANE Select); the canonical splice donor site of the intron after coding-DNA position 7654, G replaced by A.
Molecular consequence: splice donor variant.
Genome position (GRCh38, 1-based): chr17:18,151,291, G>A. VCF-style: chr17-18151291-G-A. GRCh37 (hg19) VCF-style: chr17-18054605-G-A.
Identifiers: ClinVar variation 1185659 (VCV001185659.2), dbSNP rs1338603862, ClinGen allele CA398619515.

ClinVar aggregate classification (germline): Pathogenic. Review status: criteria provided, single submitter (1 of 4 stars). 2 submissions from 2 submitters: Pathogenic (1). 1 of the submissions does not count toward it. Last evaluated 2026-06-01.

Conditions:
Autosomal recessive nonsyndromic hearing loss 3. Also called: NEUROSENSORY NONSYNDROMIC RECESSIVE DEAFNESS 3. Identifiers: Orphanet 90636, MedGen C1838263, MONDO:0010860, OMIM 600316.

Submissions (2):

Department of Otolaryngology-Head and Neck Surgery, Shanghai Jiao Tong University Affiliated Sixth People’s Hospital
Classification: Pathogenic for Autosomal recessive nonsyndromic hearing loss 3. Last evaluated: 2026-06-01. Review status: criteria provided, single submitter. Criteria: ACMG Guidelines, 2015. Collection method: provider interpretation. Allele origin: paternal. Inheritance: Autosomal recessive inheritance. Affected: yes. Observed: 1 variant allele, 1 compound heterozygote.
Comment: This MYO15A variant NM_016239.4:c.7654+1G>A is classified as Pathogenic following ACMG/AMP 2015 criteria, with supporting evidence PVS1, PM2, PP1, PP3 and PP5. It alters the canonical +1 position of the 5' splice donor site, which is highly conserved and essential for normal mRNA splicing, most likely resulting in exon skipping, abnormal transcript degradation and loss of functional MYO15A protein (PVS1). The variant is rarely observed in general population databases (PM2). Multiple bioinformatic tools predict a deleterious splicing effect (PP3). This variant has been previously curated as Pathogenic in ClinVar (Variation ID:1185659, VCV001185659.1) in patients with hereditary hearing loss (PP5).

Deafness Molecular Diagnostic Center, Chinese PLA General Hospital
Classification: Pathogenic for Autosomal recessive nonsyndromic hearing loss 3. Review status: no assertion criteria provided. Criteria: ACMG Guidelines, 2015. Collection method: case-control. Allele origin: paternal. Affected: yes. Not counted in ClinVar's aggregate classification.